The following is an entry in ClinVar:

ClinVar aggregate classification (germline): Uncertain significance (1 of 4 stars; one submission).

Submission:

Labcorp Genetics (formerly Invitae), Labcorp
Classification: Uncertain significance. Last evaluated: 2021-05-14. Review status: criteria provided, single submitter. Criteria: Invitae Variant Classification Sherloc (09022015). Collection method: clinical testing. Allele origin: germline.
Comment: In summary, the available evidence is currently insufficient to determine the role of this variant in disease. Therefore, it has been classified as a Variant of Uncertain Significance. Algorithms developed to predict the effect of missense changes on protein structure and function are either unavailable or do not agree on the potential impact of this missense change (SIFT: "Deleterious"; PolyPhen-2: "Probably Damaging"; Align-GVGD: "Class C0"). This variant has not been reported in the literature in individuals with ITGA8-related conditions. This variant is not present in population databases (ExAC no frequency). This sequence change replaces isoleucine with methionine at codon 789 of the ITGA8 protein (p.Ile789Met). The isoleucine residue is moderately conserved and there is a small physicochemical difference between isoleucine and methionine.

NM_003638.3(ITGA8):c.2367A>G (p.Ile789Met)

Gene: ITGA8 (integrin subunit alpha 8; minus strand). Cytogenetic location: 10p13.
Variant type: single nucleotide variant.
Coding change: c.2367A>G on transcript NM_003638.3 (MANE Select); coding-DNA position 2367, A replaced by G.
Protein change: p.Ile789Met; replaces isoleucine 789 with methionine.
Molecular consequence: missense variant.
Genome position (GRCh38, 1-based): chr10:15,586,589, T>C on the plus strand (A>G on the coding strand, the complement: ITGA8 is on the minus strand). VCF-style: chr10-15586589-T-C. GRCh37 (hg19) VCF-style: chr10-15628588-T-C.
Other names: c.2322A>G, p.Ile774Met (NM_001291494.2); short protein forms I774M, I789M.
Identifiers: ClinVar variation 1395124 (VCV001395124.8), dbSNP rs2131592443, ClinGen allele CA376096862.